The following is an entry in ClinVar:

NM_172351.3(CD46):c.500_501inv (p.Lys167Ile)

Gene: CD46 (CD46 molecule; plus strand). Cytogenetic location: 1q32.2.
Variant type: Inversion.
Coding change: c.500_501inv on transcript NM_172351.3 (MANE Select).
Protein change: p.Lys167Ile; replaces lysine 167 with isoleucine.
Molecular consequence: missense variant.
Genome position: GRCh38 VCF-style: chr1-207761273-AA-TT. GRCh37 (hg19) VCF-style: chr1-207934618-AA-TT.
Other names: c.500_501inv, p.Lys167Ile (NM_002389.4, NM_153826.4, NM_172350.3 and 8 more transcripts); short protein forms K167I.
Identifiers: ClinVar variation 4735155 (VCV004735155.1).

ClinVar aggregate classification (germline): Uncertain significance (1 of 4 stars; one submission).

Submission:

Labcorp Genetics (formerly Invitae), Labcorp
Classification: Uncertain significance. Last evaluated: 2026-01-11. Review status: criteria provided, single submitter. Criteria: Invitae Variant Classification Sherloc (09022015). Collection method: clinical testing. Allele origin: germline.
Comment: This sequence change replaces lysine, which is basic and polar, with isoleucine, which is neutral and non-polar, at codon 167 of the CD46 protein (p.Lys167Ile). Information on the frequency of this variant in the gnomAD database is not available, as this variant may be reported differently in the database. This variant has not been reported in the literature in individuals affected with CD46-related conditions. An algorithm developed to predict the effect of missense changes on protein structure and function (PolyPhen-2) suggests that this variant is likely to be disruptive. In summary, the available evidence is currently insufficient to determine the role of this variant in disease. Therefore, it has been classified as a Variant of Uncertain Significance.